The following is an entry in ClinVar:

ClinVar aggregate classification (germline): Uncertain significance. Review status: criteria provided, multiple submitters, no conflicts (2 of 4 stars). 2 submissions from 2 submitters: Uncertain significance (2). Last evaluated 2026-08-31.

Conditions:
TUB-related disorder. Also called: TUB-related condition.

gnomAD v4.1: 9 of 1,613,588 alleles (0.00056%); highest among the groups gnomAD compares: Non-Finnish European, 0.00076%; no homozygotes.

Submissions (2):

PreventionGenetics, part of Exact Sciences
Classification: Uncertain significance for TUB-related condition. Last evaluated: 2026-08-31. Review status: criteria provided, single submitter. Criteria: ACMG Guidelines, 2015. Collection method: clinical testing. Allele origin: germline.
Comment: The TUB c.395G>A variant is predicted to result in the amino acid substitution p.Ser132Asn. To our knowledge, this variant has not been reported in the literature. This variant is reported in 0.00091% of alleles in individuals of European (Non-Finnish) descent in gnomAD. At this time, the clinical significance of this variant is uncertain due to the absence of conclusive functional and genetic evidence.

Blueprint Genetics
Classification: Uncertain significance. Last evaluated: 2019-04-20. Review status: criteria provided, single submitter. Criteria: ACMG Guidelines, 2015. Collection method: clinical testing. Allele origin: germline.

NM_177972.3(TUB):c.230G>A (p.Ser77Asn)

Gene: TUB (TUB bipartite transcription factor; plus strand). Cytogenetic location: 11p15.4.
Variant type: single nucleotide variant.
Coding change: c.230G>A on transcript NM_177972.3 (MANE Select); coding-DNA position 230, G replaced by A.
Protein change: p.Ser77Asn; replaces serine 77 with asparagine.
Molecular consequence: missense variant.
Genome position (GRCh38, 1-based): chr11:8,090,208, G>A. VCF-style: chr11-8090208-G-A. GRCh37 (hg19) VCF-style: chr11-8111755-G-A.
Other names: c.248G>A, p.Ser83Asn (NM_001440538.1, NM_001440539.1, NM_001440540.1 and 1 more transcripts); c.230G>A, p.Ser77Asn (NM_001440541.1); c.395G>A, p.Ser132Asn (NM_003320.5); c.395G>A (NM_003320.4); short protein forms S77N, S132N, S83N.
Identifiers: ClinVar variation 4910558 (VCV004910558.2).
Genomic context (GRCh38, chr11:8,090,208, plus strand): 5'-GGAGCCGGCGGGCCCGGCAGTCAGAGGAACAAGCCCCCCTGGTGGAGTCCTACCTCAGCA[G>A]CAGTGGCAGCACCAGCTACCAAGGTATACCTTGCCTGCTGCCCCACATCCCGTCACTGCT-3'
Protein context (NP_813977.1, residues 67-87): QAPLVESYLS[Ser77Asn]SGSTSYQVQE